The following is an entry in ClinVar:

ClinVar aggregate classification (germline): Conflicting classifications of pathogenicity. Review status: criteria provided, conflicting classifications (1 of 4 stars). 2 submissions from 2 submitters: Uncertain significance (1); Likely benign (1). Last evaluated 2026-07-31.

Conditions:
Developmental and epileptic encephalopathy 94 (DEE94). Also called: Epileptic encephalopathy, childhood-onset; CHD2-Related Neurodevelopmental Disorders. Identifiers: Orphanet 1942, Orphanet 2382, MedGen C3809278, MONDO:0014150, OMIM 615369.
Inborn genetic diseases. Identifiers: MedGen C0950123, MeSH D030342.

Allele frequency attached by ClinVar (database versions not stated): ExAC 0.00001; gnomAD 0.00001; gnomAD exomes below 0.00001; TOPMed 0.00001.
gnomAD v4.1: 36 of 1,608,828 alleles (0.0022%); highest among the groups gnomAD compares: Non-Finnish European, 0.0029%; no homozygotes.

Submissions (2):

Ambry Genetics
Classification: Likely benign for Inborn genetic diseases. Last evaluated: 2026-07-31. Review status: criteria provided, single submitter. Criteria: Ambry Variant Classification Scheme 2023. Collection method: clinical testing. Allele origin: germline.

Labcorp Genetics (formerly Invitae), Labcorp
Classification: Uncertain significance for Developmental and epileptic encephalopathy 94. Last evaluated: 2026-02-03. Review status: criteria provided, single submitter. Criteria: Invitae Variant Classification Sherloc (09022015). Collection method: clinical testing. Allele origin: germline.
Comment: This sequence change replaces arginine, which is basic and polar, with glutamine, which is neutral and polar, at codon 1637 of the CHD2 protein (p.Arg1637Gln). This variant is present in population databases (rs752891322, gnomAD 0.0009%). This variant has not been reported in the literature in individuals affected with CHD2-related conditions. ClinVar contains an entry for this variant (Variation ID: 1482605). Invitae Evidence Modeling of protein sequence and biophysical properties (such as structural, functional, and spatial information, amino acid conservation, physicochemical variation, residue mobility, and thermodynamic stability) indicates that this missense variant is not expected to disrupt CHD2 protein function with a negative predictive value of 95%. In summary, the available evidence is currently insufficient to determine the role of this variant in disease. Therefore, it has been classified as a Variant of Uncertain Significance.

NM_001271.4(CHD2):c.4910G>A (p.Arg1637Gln)

Gene: CHD2 (chromodomain helicase DNA binding protein 2; plus strand). Cytogenetic location: 15q26.1.
Variant type: single nucleotide variant.
Coding change: c.4910G>A on transcript NM_001271.4 (MANE Select); coding-DNA position 4910, G replaced by A.
Protein change: p.Arg1637Gln; replaces arginine 1637 with glutamine.
Molecular consequence: missense variant.
Genome position (GRCh38, 1-based): chr15:93,020,015, G>A. VCF-style: chr15-93020015-G-A. GRCh37 (hg19) VCF-style: chr15-93563245-G-A.
Other names: c.4910G>A (NM_001271.3); short protein forms R1637Q.
Identifiers: ClinVar variation 1482605 (VCV001482605.7), dbSNP rs752891322, ClinGen allele CA7748601.